The following is an entry in ClinVar:

ClinVar aggregate classification (germline): Uncertain significance. Review status: criteria provided, multiple submitters, no conflicts (2 of 4 stars). 2 submissions from 2 submitters: Uncertain significance (2). Last evaluated 2025-07-17.

Conditions:
Hereditary cancer-predisposing syndrome. Also called: Tumor predisposition; Hereditary neoplastic syndrome; Neoplastic Syndromes, Hereditary; Hereditary Cancer Syndrome. Identifiers: Orphanet 140162, MedGen C0027672, MeSH D009386, MONDO:0015356.
Familial adenomatous polyposis 1 (FAP1). Also called: POLYPOSIS, ADENOMATOUS INTESTINAL; FAMILIAL ADENOMATOUS POLYPOSIS 1, ATTENUATED. Identifiers: MedGen C2713442, MONDO:0021056, OMIM 175100. Disease mechanism: loss of function.

Submissions (2):

Ambry Genetics
Classification: Uncertain significance for Hereditary cancer-predisposing syndrome. Last evaluated: 2025-07-17. Review status: criteria provided, single submitter. Criteria: Ambry Variant Classification Scheme 2023. Collection method: clinical testing. Allele origin: germline.
Comment: The p.G2073S variant (also known as c.6217G>A), located in coding exon 15 of the APC gene, results from a G to A substitution at nucleotide position 6217. The glycine at codon 2073 is replaced by serine, an amino acid with similar properties. This amino acid position is conserved. In addition, in silico predictors for this gene do not accurately predict pathogenicity. Based on the available evidence, the clinical significance of this variant remains unclear.

Labcorp Genetics (formerly Invitae), Labcorp
Classification: Uncertain significance for Familial adenomatous polyposis 1. Last evaluated: 2022-07-22. Review status: criteria provided, single submitter. Criteria: Invitae Variant Classification Sherloc (09022015). Collection method: clinical testing. Allele origin: germline.
Comment: In summary, the available evidence is currently insufficient to determine the role of this variant in disease. Therefore, it has been classified as a Variant of Uncertain Significance. Algorithms developed to predict the effect of missense changes on protein structure and function (SIFT, PolyPhen-2, Align-GVGD) all suggest that this variant is likely to be tolerated. This variant has not been reported in the literature in individuals affected with APC-related conditions. This variant is not present in population databases (gnomAD no frequency). This sequence change replaces glycine, which is neutral and non-polar, with serine, which is neutral and polar, at codon 2073 of the APC protein (p.Gly2073Ser).

NM_000038.6(APC):c.6217G>A (p.Gly2073Ser)

Gene: APC (APC regulator of Wnt signaling pathway; plus strand). Cytogenetic location: 5q22.2.
Variant type: single nucleotide variant.
Coding change: c.6217G>A on transcript NM_000038.6 (MANE Select); coding-DNA position 6217, G replaced by A.
Protein change: p.Gly2073Ser; replaces glycine 2073 with serine.
Molecular consequence: missense variant.
Genome position (GRCh38, 1-based): chr5:112,841,811, G>A. VCF-style: chr5-112841811-G-A. GRCh37 (hg19) VCF-style: chr5-112177508-G-A.
Other names: c.6217G>A, p.Gly2073Ser (NM_001127510.3, NM_001354895.2, NM_001407450.1); c.6163G>A, p.Gly2055Ser (NM_001127511.3); c.6271G>A, p.Gly2091Ser (NM_001354896.2, NM_001407447.1, NM_001407448.1 and 1 more transcripts); c.6247G>A, p.Gly2083Ser (NM_001354897.2); c.6142G>A, p.Gly2048Ser (NM_001354898.2); c.6133G>A, p.Gly2045Ser (NM_001354899.2); c.6094G>A, p.Gly2032Ser (NM_001354900.2); c.6040G>A, p.Gly2014Ser (NM_001354901.2, NM_001407453.1); and 12 more; short protein forms G1982S, G2083S, G1689S, G1990S, G2014S, G2048S, G2073S, G1947S.
Identifiers: ClinVar variation 1982983 (VCV001982983.5), dbSNP rs2149959851, ClinGen allele CA16034948.